The following is an entry in ClinVar:

ClinVar aggregate classification (germline): Conflicting classifications of pathogenicity. Review status: criteria provided, conflicting classifications (1 of 4 stars). 33 submissions from 33 submitters: Uncertain significance (6); Benign (6); Likely benign (14). 7 of the submissions do not count toward it. Last evaluated 2026-08-26.

Conditions:
Inherited polyposis and early onset colorectal cancer - germline testing.
STK11-related disorder. Also called: STK11-related condition.
Breast and/or ovarian cancer. Identifiers: MedGen CN221562.
Hereditary cancer-predisposing syndrome. Also called: Tumor predisposition; Hereditary neoplastic syndrome; Neoplastic Syndromes, Hereditary; Hereditary Cancer Syndrome. Identifiers: Orphanet 140162, MedGen C0027672, MeSH D009386, MONDO:0015356.
Hereditary breast ovarian cancer syndrome. Also called: Hereditary breast and ovarian cancer syndrome (HBOC); Hereditary breast and ovarian cancer; Hereditary breast and ovarian cancer syndrome; Breast and ovarian cancer; Hereditary breast and/or ovarian cancer syndrome; BRCA1- and BRCA2-Associated Hereditary Breast and Ovarian Cancer. Identifiers: Orphanet 145, MedGen C0677776, MeSH D061325, MONDO:0003582. Disease mechanism: loss of function.
Peutz-Jeghers syndrome (PJS). Also called: POLYPOSIS, HAMARTOMATOUS INTESTINAL; POLYPS-AND-SPOTS SYNDROME; Peutz-Jeghers polyposis; Periorificial lentiginosis syndrome. Identifiers: Orphanet 2869, MedGen C0031269, MeSH D010580, MONDO:0008280, OMIM 175200.
Malignant tumor of breast. Also called: Malignant breast neoplasm; Cancer breast. Identifiers: MedGen C0006142, MONDO:0007254. Disease mechanism: loss of function.

Allele frequency attached by ClinVar (database versions not stated): 1000 Genomes Project 30x 0.00031; 1000 Genomes Project 0.00040; ESP Exome Variant Server 0.00042; gnomAD exomes 0.00047 and 0.00081; gnomAD 0.00050 and 0.00051; TOPMed 0.00058; ExAC 0.00093.
gnomAD v4.1: 1,241 of 1,599,480 alleles (0.078%); highest among the groups gnomAD compares: Middle Eastern, 0.15%; 1 homozygote.

Submissions 1 to 22 of 33:

Cambridge Genomics Laboratory, East Genomic Laboratory Hub, NHS Genomic Medicine Service
Classification: Uncertain significance for Inherited polyposis and early onset colorectal cancer - germline testing. Last evaluated: 2026-08-26. Review status: criteria provided, single submitter. Criteria: ACGS Best Practice Guidelines for Variant Classification in Rare Disease 2020. Collection method: clinical testing. Allele origin: germline. Affected: yes.

Labcorp Genetics (formerly Invitae), Labcorp
Classification: Benign for Peutz-Jeghers syndrome. Last evaluated: 2026-02-03. Review status: criteria provided, single submitter. Criteria: Invitae Variant Classification Sherloc (09022015). Collection method: clinical testing. Allele origin: germline.

Center for Genomic Medicine, Rigshospitalet, Copenhagen University Hospital
Classification: Uncertain significance. Last evaluated: 2025-12-29. Review status: criteria provided, single submitter. Criteria: ACMG Guidelines, 2015. Collection method: clinical testing. Allele origin: germline.

Mayo Clinic Laboratories, Mayo Clinic
Classification: Likely benign. Last evaluated: 2025-09-23. Review status: criteria provided, single submitter. Criteria: ACMG Guidelines, 2015. Collection method: clinical testing. Allele origin: germline. Observed: 2 variant alleles.
Comment: BS1, BP5

CeGaT Center for Human Genetics Tuebingen
Classification: Likely benign. Last evaluated: 2025-03-01. Review status: criteria provided, single submitter. Criteria: CeGaT Center For Human Genetics Tuebingen Variant Classification Criteria Version 2. Collection method: clinical testing. Allele origin: germline. Affected: yes. Observed: 6 variant alleles.
Comment: STK11: BP4

Laboratory of Genetics, Children's Clinical University Hospital Latvia
Classification: Benign. Last evaluated: 2025-02-16. Review status: criteria provided, single submitter. Criteria: ACMG Guidelines, 2015. Collection method: clinical testing. Allele origin: germline. Affected: yes.

Myriad Genetics, Inc.
Classification: Benign for Peutz-Jeghers syndrome. Last evaluated: 2025-02-10. Review status: criteria provided, single submitter. Criteria: Myriad Autosomal Dominant, Autosomal Recessive and X-Linked Classification Criteria (2023). Collection method: clinical testing. Allele origin: unknown.
Comment: This variant is considered benign. Homozygosity has been confirmed in one or more individuals. As homozygosity for pathogenic variants in this gene is generally assumed to result in embryonic lethality, this variant is unlikely to be pathogenic. This variant has been observed at a population frequency that is significantly greater than expected given the associated disease prevalence and penetrance.

Blueprint Genetics
Classification: Likely benign. Last evaluated: 2024-10-24. Review status: criteria provided, single submitter. Criteria: ACMG Guidelines, 2015. Collection method: clinical testing. Allele origin: germline.

ARUP Laboratories, Molecular Genetics and Genomics, ARUP Laboratories
Classification: Likely benign. Last evaluated: 2024-10-01. Review status: criteria provided, single submitter. Criteria: ARUP Molecular Germline Variant Investigation Process 2024. Collection method: clinical testing. Allele origin: germline.

All of Us Research Program, National Institutes of Health
Classification: Likely benign for Peutz-Jeghers syndrome. Last evaluated: 2024-09-23. Review status: criteria provided, single submitter. Criteria: ACMG Guidelines, 2015. Collection method: clinical testing. Allele origin: germline. Inheritance: Autosomal dominant inheritance. Observed: 252 variant alleles, 252 heterozygotes.
Comment: This study involves interpretation of variants in research participants for the purpose of population health screening. Participant phenotype was not available at the time of variant classification. Additional details can be found in publication PMID: 35346344, PMCID: PMC8962531

German Consortium for Hereditary Breast and Ovarian Cancer, University Hospital Cologne
Classification: Likely benign for Hereditary breast ovarian cancer syndrome. Last evaluated: 2024-05-03. Review status: criteria provided, single submitter. Criteria: ACMG Guidelines, 2015. Collection method: curation. Allele origin: germline.
Comment: Frequently found in patients without signs of PJS; According to the ACMG SVI adaptation criteria we chose this criterion: BS1 (strong benign): AC:77 AF:0.000505747 hom:0 het:77 popmax:NFE popmax AF:0.000867162 popmax AC:59 popmax faf95:0.000689550 significantly greater than the maximum expected allele frequency for a pathogenic STK11 variant of 0.0000063 FLOSSIES num AFR:0 num EUR:10

CHEO Genetics Diagnostic Laboratory, Children's Hospital of Eastern Ontario
Classification: Uncertain significance for Breast and/or ovarian cancer. Last evaluated: 2023-05-05. Review status: criteria provided, single submitter. Criteria: ACMG Guidelines, 2015. Collection method: clinical testing. Allele origin: germline.

Genetic Services Laboratory, University of Chicago
Classification: Likely benign. Last evaluated: 2022-01-18. Review status: criteria provided, single submitter. Criteria: ACMG Guidelines, 2015. Collection method: clinical testing. Allele origin: germline. Affected: no.

Institute for Clinical Genetics, University Hospital TU Dresden, University Hospital TU Dresden
Classification: Uncertain significance. Last evaluated: 2021-11-03. Review status: criteria provided, single submitter. Criteria: ACMG Guidelines, 2015. Collection method: clinical testing. Allele origin: germline.

Sema4
Classification: Likely benign for Hereditary cancer-predisposing syndrome. Last evaluated: 2021-07-22. Review status: criteria provided, single submitter. Criteria: Sema4 Curation Guidelines. Collection method: curation. Allele origin: germline.

Genome-Nilou Lab
Classification: Likely benign for Peutz-Jeghers syndrome. Last evaluated: 2021-07-15. Review status: criteria provided, single submitter. Criteria: ACMG Guidelines, 2015. Collection method: clinical testing. Allele origin: germline. Affected: no.

Quest Diagnostics Nichols Institute San Juan Capistrano
Classification: Benign. Last evaluated: 2019-10-04. Review status: criteria provided, single submitter. Criteria: Quest Diagnostics criteria. Collection method: clinical testing. Allele origin: unknown.

Mendelics
Classification: Likely benign for Peutz-Jeghers syndrome. Last evaluated: 2019-05-28. Review status: criteria provided, single submitter. Criteria: Mendelics Assertion Criteria 2017. Collection method: clinical testing. Allele origin: unknown.

Ambry Genetics
Classification: Likely benign for Hereditary cancer-predisposing syndrome. Last evaluated: 2018-12-07. Review status: criteria provided, single submitter. Criteria: Ambry Variant Classification Scheme 2023. Collection method: clinical testing. Allele origin: germline.

Illumina Laboratory Services, Illumina
Classification: Benign for Peutz-Jeghers syndrome. Last evaluated: 2018-01-13. Review status: criteria provided, single submitter. Criteria: ICSL Variant Classification Criteria 13 December 2019. Collection method: clinical testing. Allele origin: germline.
Comment: This variant was observed in the ICSL laboratory as part of a predisposition screen in an ostensibly healthy population. It had not been previously curated by ICSL or reported in the Human Gene Mutation Database (HGMD: prior to June 1st, 2018), and was therefore a candidate for classification through an automated scoring system. Utilizing variant allele frequency, disease prevalence and penetrance estimates, and inheritance mode, an automated score was calculated to assess if this variant is too frequent to cause the disease. Based on the score and internal cut-off values, a variant classified as benign is not then subjected to further curation. The score for this variant resulted in a classification of benign for this disease.

GeneDx
Classification: Likely benign. Last evaluated: 2018-01-08. Review status: criteria provided, single submitter. Criteria: GeneDx Variant Classification (06012015). Collection method: clinical testing. Allele origin: germline. Affected: yes.
Comment: This variant is considered likely benign or benign based on one or more of the following criteria: it is a conservative change, it occurs at a poorly conserved position in the protein, it is predicted to be benign by multiple in silico algorithms, and/or has population frequency not consistent with disease.

Institute for Biomarker Research, Medical Diagnostic Laboratories, L.L.C.
Classification: Likely benign for Hereditary cancer-predisposing syndrome. Last evaluated: 2017-07-12. Review status: criteria provided, single submitter. Criteria: ACMG Guidelines, 2015. Collection method: clinical testing. Allele origin: germline.

NM_000455.5(STK11):c.1211C>T (p.Ser404Phe)

Gene: STK11 (serine/threonine kinase 11; plus strand). Cytogenetic location: 19p13.3.
Variant type: single nucleotide variant.
Coding change: c.1211C>T on transcript NM_000455.5 (MANE Select); coding-DNA position 1211, C replaced by T.
Protein change: p.Ser404Phe; replaces serine 404 with phenylalanine.
Molecular consequence: missense variant.
Genome position (GRCh38, 1-based): chr19:1,226,556, C>T. VCF-style: chr19-1226556-C-T. GRCh37 (hg19) VCF-style: chr19-1226555-C-T.
Other names: p.S404F:TCC>TTC; short protein forms S404F.
Identifiers: ClinVar variation 127700 (VCV000127700.104), dbSNP rs200078204, ClinGen allele CA022472.